The following is an entry in ClinVar:

ClinVar aggregate classification (germline): Pathogenic (1 of 4 stars; one submission).

Conditions:
Diamond-Blackfan anemia. Also called: Blackfan Diamond syndrome; Aregenerative anemia chronic congenital; Red cell aplasia, pure hereditary; Congenital hypoplastic anemia; Aase syndrome. Identifiers: Orphanet 124, MedGen C1260899, MeSH D029503, MONDO:0015253, HP:0004810.
GATA binding protein 1 related thrombocytopenia with dyserythropoiesis. Also called: GATA1-Related Cytopenia; GATA1-Related X-Linked Cytopenia. Identifiers: MedGen C1845837, MONDO:0100089.

Submission:

Labcorp Genetics (formerly Invitae), Labcorp
Classification: Pathogenic for GATA binding protein 1 related thrombocytopenia with dyserythropoiesis; Diamond-Blackfan anemia. Last evaluated: 2022-11-11. Review status: criteria provided, single submitter. Criteria: Invitae Variant Classification Sherloc (09022015). Collection method: clinical testing. Allele origin: germline.
Comment: This sequence change creates a premature translational stop signal (p.Tyr62*) in the GATA1 gene. It is expected to result in an absent or disrupted protein product. Loss-of-function variants in GATA1 are known to be pathogenic (PMID: 16783379, 22706301, 23704091, 24453067). This variant is not present in population databases (gnomAD no frequency). This variant has not been reported in the literature in individuals affected with GATA1-related conditions. For these reasons, this variant has been classified as Pathogenic.

Literature cited by the submitters: PubMed 16783379; PubMed 22706301; PubMed 23704091; PubMed 24453067.

NM_002049.4(GATA1):c.186C>G (p.Tyr62Ter)

Gene: GATA1 (GATA binding protein 1; plus strand). Cytogenetic location: Xp11.23.
Variant type: single nucleotide variant.
Coding change: c.186C>G on transcript NM_002049.4 (MANE Select); coding-DNA position 186, C replaced by G.
Protein change: p.Tyr62Ter; replaces tyrosine 62 with a stop codon.
Molecular consequence: nonsense.
Genome position (GRCh38, 1-based): chrX:48,791,295, C>G. VCF-style: chrX-48791295-C-G. GRCh37 (hg19) VCF-style: chrX-48649702-C-G.
Other names: short protein forms Y62*.
Identifiers: ClinVar variation 2941504 (VCV002941504.3), dbSNP rs2519343848, ClinGen allele CA412867199.